The following is an entry in ClinVar:

NM_019594.4(LRRC8A):c.2400G>A (p.Glu800=)

Gene: LRRC8A (leucine rich repeat containing 8 VRAC subunit A; plus strand). Cytogenetic location: 9q34.11.
Variant type: single nucleotide variant.
Coding change: c.2400G>A on transcript NM_019594.4 (MANE Select); coding-DNA position 2400, G replaced by A.
Protein change: p.Glu800=; no amino-acid change (glutamic acid 800 retained).
Molecular consequence: synonymous variant.
Genome position (GRCh38, 1-based): chr9:128,916,338, G>A. VCF-style: chr9-128916338-G-A. GRCh37 (hg19) VCF-style: chr9-131678617-G-A.
Other names: c.2400G>A, p.Glu800= (NM_001127244.2, NM_001127245.2).
Identifiers: ClinVar variation 2180688 (VCV002180688.6), dbSNP rs199588534, ClinGen allele CA5271084.

ClinVar aggregate classification (germline): Likely benign. Review status: criteria provided, single submitter (1 of 4 stars). 2 submissions from 2 submitters: Likely benign (1). 1 of the submissions does not count toward it. Last evaluated 2022-04-06.

Conditions:
LRRC8A-related disorder. Also called: LRRC8A-related condition.

Allele frequency attached by ClinVar (database versions not stated): TOPMed 0.00001; gnomAD 0.00003; ExAC 0.00007; gnomAD exomes 0.00009; 1000 Genomes Project 0.00040; 1000 Genomes Project 30x 0.00047.
gnomAD v4.1: 133 of 1,612,034 alleles (0.0083%); highest among the groups gnomAD compares: East Asian, 0.3%; 1 homozygote.

Submissions (2):

Labcorp Genetics (formerly Invitae), Labcorp
Classification: Likely benign. Last evaluated: 2022-04-06. Review status: criteria provided, single submitter. Criteria: Invitae Variant Classification Sherloc (09022015). Collection method: clinical testing. Allele origin: germline.

PreventionGenetics, part of Exact Sciences
Classification: Likely benign for LRRC8A-related condition. Last evaluated: 2019-12-16. Review status: no assertion criteria provided. Collection method: clinical testing. Allele origin: germline. Not counted in ClinVar's aggregate classification.
Comment: This variant is classified as likely benign based on ACMG/AMP sequence variant interpretation guidelines (Richards et al. 2015 PMID: 25741868, with internal and published modifications).